The following is an entry in ClinVar:

ClinVar aggregate classification (germline): Uncertain significance. Review status: criteria provided, multiple submitters, no conflicts (2 of 4 stars). 4 submissions from 4 submitters: Uncertain significance (4). Last evaluated 2025-08-30.

Conditions:
ITGA2B-related disorder. Also called: ITGA2B-related disorders; ITGA2B-related condition.
Glanzmann thrombasthenia. Also called: THROMBASTHENIA OF GLANZMANN AND NAEGELI; PLATELET GLYCOPROTEIN IIb-IIIa DEFICIENCY; Thrombasthenia; Glanzmann's thrombasthenia. Identifiers: Orphanet 849, MedGen C0040015, MONDO:0100326.
Inborn genetic diseases. Identifiers: MedGen C0950123, MeSH D030342.

Allele frequency attached by ClinVar (database versions not stated): gnomAD 0.00003; TOPMed 0.00003; gnomAD exomes 0.00009.
gnomAD v4.1: 138 of 1,614,010 alleles (0.0086%); highest among the groups gnomAD compares: Non-Finnish European, 0.011%; no homozygotes.

Submissions (4):

Ambry Genetics
Classification: Uncertain significance for Inborn genetic diseases. Last evaluated: 2025-08-30. Review status: criteria provided, single submitter. Criteria: Ambry Variant Classification Scheme 2023. Collection method: clinical testing. Allele origin: germline.

PreventionGenetics, part of Exact Sciences
Classification: Uncertain significance for ITGA2B-related condition. Last evaluated: 2025-07-29. Review status: criteria provided, single submitter. Criteria: ACMG Guidelines, 2015. Collection method: clinical testing. Allele origin: germline.
Comment: The ITGA2B c.2993G>T variant is predicted to result in the amino acid substitution p.Trp998Leu. To our knowledge, this variant has not been reported in the literature. This variant is reported in 0.0023% of alleles in individuals of European (Non-Finnish) descent in gnomAD. At this time, the clinical significance of this variant is uncertain due to the absence of conclusive functional and genetic evidence.

Labcorp Genetics (formerly Invitae), Labcorp
Classification: Uncertain significance for Glanzmann thrombasthenia. Last evaluated: 2025-05-02. Review status: criteria provided, single submitter. Criteria: Invitae Variant Classification Sherloc (09022015). Collection method: clinical testing. Allele origin: germline.
Comment: This sequence change replaces tryptophan, which is neutral and slightly polar, with leucine, which is neutral and non-polar, at codon 998 of the ITGA2B protein (p.Trp998Leu). This variant is present in population databases (no rsID available, gnomAD 0.002%). This variant has not been reported in the literature in individuals affected with ITGA2B-related conditions. ClinVar contains an entry for this variant (Variation ID: 2570990). Invitae Evidence Modeling of protein sequence and biophysical properties (such as structural, functional, and spatial information, amino acid conservation, physicochemical variation, residue mobility, and thermodynamic stability) has been performed for this missense variant. However, the output from this modeling did not meet the statistical confidence thresholds required to predict the impact of this variant on ITGA2B protein function. In summary, the available evidence is currently insufficient to determine the role of this variant in disease. Therefore, it has been classified as a Variant of Uncertain Significance.

CeGaT Center for Human Genetics Tuebingen
Classification: Uncertain significance. Last evaluated: 2023-06-01. Review status: criteria provided, single submitter. Criteria: CeGaT Center For Human Genetics Tuebingen Variant Classification Criteria Version 2. Collection method: clinical testing. Allele origin: germline. Affected: yes. Observed: 1 variant allele.
Comment: ITGA2B: PM2

NM_000419.5(ITGA2B):c.2993G>T (p.Trp998Leu)

Gene: ITGA2B (integrin subunit alpha 2b; minus strand). Cytogenetic location: 17q21.31.
Variant type: single nucleotide variant.
Coding change: c.2993G>T on transcript NM_000419.5 (MANE Select); coding-DNA position 2993, G replaced by T.
Protein change: p.Trp998Leu; replaces tryptophan 998 with leucine.
Molecular consequence: missense variant.
Genome position (GRCh38, 1-based): chr17:44,374,421, C>A on the plus strand (G>T on the coding strand, the complement: ITGA2B is on the minus strand). VCF-style: chr17-44374421-C-A. GRCh37 (hg19) VCF-style: chr17-42451789-C-A.
Other names: c.2993G>T (NM_000419.4); short protein forms W998L.
Identifiers: ClinVar variation 2570990 (VCV002570990.32), dbSNP rs903418597, ClinGen allele CA290945967.
Genomic context (GRCh38, chr17:44,374,421, plus strand): 5'-ATGGCCAGGACCAGGATGGTGAGCAGCAGCAGGCCACCCAGCACACCCACCAGCACCCAC[C>A]AGATTGGAATGGCCCTCTCCTCCAAGGCCCGGAGCAGCTGTGTCCACACCTGGGGGCAAA-3'
Protein context (NP_000410.2, residues 988-1008): RALEERAIPI[Trp998Leu]WVLVGVLGGL